The following is an entry in ClinVar:

NM_000465.4(BARD1):c.1314+4G>A

Gene: BARD1 (BRCA1 associated RING domain 1; minus strand). Cytogenetic location: 2q35.
Variant type: single nucleotide variant.
Coding change: c.1314+4G>A on transcript NM_000465.4 (MANE Select); 4 bases into the intron after coding-DNA position 1314, G replaced by A.
Molecular consequence: intron variant.
Genome position (GRCh38, 1-based): chr2:214,780,556, C>T on the plus strand (G>A on the coding strand, the complement: BARD1 is on the minus strand). VCF-style: chr2-214780556-C-T. GRCh37 (hg19) VCF-style: chr2-215645280-C-T.
Other names: c.1314+4G>A (LRG_297t1); c.159-28001G>A (NM_001282548.2); c.1257+4G>A (NM_001282543.2); c.215+16505G>A (NM_001282545.2); c.364+11741G>A (NM_001282549.2).
Identifiers: ClinVar variation 481372 (VCV000481372.15), dbSNP rs1553622081, ClinGen allele CA658657236.
Genomic context (GRCh38, chr2:214,780,556, plus strand): 5'-CTGCAAAGAAATTGCTTTATAGTTGGCCTCATTCTGAGATGGTATTTCAGAGTAAGCATC[C>T]TACCTTAATAGAAGCAATATGGAGCAAAGTCTCTCCTCTATGATTTCTTTTCACAGCCAT-3'

ClinVar aggregate classification (germline): Conflicting classifications of pathogenicity. Review status: criteria provided, conflicting classifications (1 of 4 stars). 2 submissions from 2 submitters: Uncertain significance (1); Likely benign (1). Last evaluated 2024-08-04.

Conditions:
Hereditary cancer-predisposing syndrome. Also called: Hereditary Cancer Syndrome; Neoplastic Syndromes, Hereditary; Tumor predisposition; Hereditary neoplastic syndrome. Identifiers: Orphanet 140162, MedGen C0027672, MeSH D009386, MONDO:0015356.
Familial cancer of breast. Also called: BREAST CANCER, FAMILIAL; Hereditary breast cancer; hereditary breast carcinoma. Identifiers: Orphanet 227535, MedGen C0346153, MONDO:0016419, OMIM 114480. Disease mechanism: loss of function.

Submissions (2):

Labcorp Genetics (formerly Invitae), Labcorp
Classification: Likely benign for Familial cancer of breast. Last evaluated: 2024-08-04. Review status: criteria provided, single submitter. Criteria: Invitae Variant Classification Sherloc (09022015). Collection method: clinical testing. Allele origin: germline.

Ambry Genetics
Classification: Uncertain significance for Hereditary cancer-predisposing syndrome. Last evaluated: 2024-07-16. Review status: criteria provided, single submitter. Criteria: Ambry Variant Classification Scheme 2023. Collection method: clinical testing. Allele origin: germline.
Comment: The c.1314+4G>A intronic variant results from a G to A substitution 4 nucleotides after coding exon 4 in the BARD1 gene. This nucleotide position is not well conserved in available vertebrate species. In silico splice site analysis predicts that this alteration will not have any significant effect on splicing. Based on the available evidence, the clinical significance of this variant remains unclear.